The following is an entry in ClinVar:

ClinVar aggregate classification (germline): Uncertain significance (1 of 4 stars; one submission).

Conditions:
Duchenne muscular dystrophy (DMD). Also called: Duchenne Muscular Dystrophy (DMD); MUSCULAR DYSTROPHY, PSEUDOHYPERTROPHIC PROGRESSIVE, DUCHENNE TYPE. Identifiers: Orphanet 98896, MedGen C0013264, MONDO:0010679, OMIM 310200.

Allele frequency attached by ClinVar (database versions not stated): gnomAD exomes below 0.00001.
gnomAD v4.1: 1 of 1,211,009 alleles (0.000083%); highest among the groups gnomAD compares: Non-Finnish European, 0.00011%; no homozygotes.

Submission:

Labcorp Genetics (formerly Invitae), Labcorp
Classification: Uncertain significance for Duchenne muscular dystrophy. Last evaluated: 2021-03-20. Review status: criteria provided, single submitter. Criteria: Invitae Variant Classification Sherloc (09022015). Collection method: clinical testing. Allele origin: germline.
Comment: This sequence change replaces valine with alanine at codon 763 of the DMD protein (p.Val763Ala). The valine residue is highly conserved and there is a small physicochemical difference between valine and alanine. This variant is not present in population databases (ExAC no frequency). In summary, the available evidence is currently insufficient to determine the role of this variant in disease. Therefore, it has been classified as a Variant of Uncertain Significance. Algorithms developed to predict the effect of missense changes on protein structure and function are either unavailable or do not agree on the potential impact of this missense change (SIFT: "Tolerated"; PolyPhen-2: "Possibly Damaging"; Align-GVGD: "Class C0"). This variant has not been reported in the literature in individuals with DMD-related conditions.

NM_004006.3(DMD):c.2288T>C (p.Val763Ala)

Gene: DMD (dystrophin; minus strand). Cytogenetic location: Xp21.1.
Variant type: single nucleotide variant.
Coding change: c.2288T>C on transcript NM_004006.3 (MANE Select); coding-DNA position 2288, T replaced by C.
Protein change: p.Val763Ala; replaces valine 763 with alanine.
Molecular consequence: missense variant.
Genome position (GRCh38, 1-based): chrX:32,518,012, A>G on the plus strand (T>C on the coding strand, the complement: DMD is on the minus strand). VCF-style: chrX-32518012-A-G. GRCh37 (hg19) VCF-style: chrX-32536129-A-G.
Other names: c.2264T>C, p.Val755Ala (NM_000109.4); c.2276T>C, p.Val759Ala (NM_004009.3); c.1919T>C, p.Val640Ala (NM_004010.3); short protein forms V640A, V755A, V759A, V763A.
Identifiers: ClinVar variation 1473694 (VCV001473694.8), dbSNP rs2046030879, ClinGen allele CA412663615.